The following is an entry in ClinVar:

NM_015378.4(VPS13D):c.1370T>C (p.Leu457Pro)

Gene: VPS13D (vacuolar protein sorting 13 homolog D; plus strand). Cytogenetic location: 1p36.22.
Variant type: single nucleotide variant.
Coding change: c.1370T>C on transcript NM_015378.4 (MANE Select); coding-DNA position 1370, T replaced by C.
Protein change: p.Leu457Pro; replaces leucine 457 with proline.
Molecular consequence: missense variant.
Genome position (GRCh38, 1-based): chr1:12,261,105, T>C. VCF-style: chr1-12261105-T-C. GRCh37 (hg19) VCF-style: chr1-12321162-T-C.
Other names: c.1370T>C, p.Leu457Pro (NM_018156.4); short protein forms L457P.
Identifiers: ClinVar variation 1898531 (VCV001898531.5), dbSNP rs1641094162, ClinGen allele CA338464132.
Genomic context (GRCh38, chr1:12,261,105, plus strand): 5'-TTCCTGGATGGGGTGGCTGGTACGGGCAGCAGACCCCAGAAGGGAATGTGGTTGAGGGAC[T>C]GTCAGCAGAGCAACAGGAGCAGTGGATTCCTGAAGAGATCCTGGGTACGGTGGGAGCTGG-3'
Protein context (NP_056193.2, residues 447-467): QTPEGNVVEG[Leu457Pro]SAEQQEQWIP

ClinVar aggregate classification (germline): Uncertain significance (1 of 4 stars; one submission).

Allele frequency attached by ClinVar (database versions not stated): gnomAD 0.00001.
gnomAD v4.1: 9 of 1,614,100 alleles (0.00056%); highest among the groups gnomAD compares: Admixed American, 0.0033%; no homozygotes.

Submission:

Labcorp Genetics (formerly Invitae), Labcorp
Classification: Uncertain significance. Last evaluated: 2023-08-04. Review status: criteria provided, single submitter. Criteria: Invitae Variant Classification Sherloc (09022015). Collection method: clinical testing. Allele origin: germline.
Comment: In summary, the available evidence is currently insufficient to determine the role of this variant in disease. Therefore, it has been classified as a Variant of Uncertain Significance. Advanced modeling of protein sequence and biophysical properties (such as structural, functional, and spatial information, amino acid conservation, physicochemical variation, residue mobility, and thermodynamic stability) performed at Invitae indicates that this missense variant is not expected to disrupt VPS13D protein function. ClinVar contains an entry for this variant (Variation ID: 1898531). This variant has not been reported in the literature in individuals affected with VPS13D-related conditions. This variant is not present in population databases (gnomAD no frequency). This sequence change replaces leucine, which is neutral and non-polar, with proline, which is neutral and non-polar, at codon 457 of the VPS13D protein (p.Leu457Pro).